The following is an entry in ClinVar:

ClinVar aggregate classification (germline): Uncertain significance (1 of 4 stars; one submission).

Allele frequency attached by ClinVar (database versions not stated): ExAC 0.00001; gnomAD 0.00001; gnomAD exomes 0.00002; TOPMed 0.00002.
gnomAD v4.1: 31 of 1,614,020 alleles (0.0019%); highest among the groups gnomAD compares: Non-Finnish European, 0.0024%; no homozygotes.

Submission:

Ambry Genetics
Classification: Uncertain significance. Last evaluated: 2023-08-26. Review status: criteria provided, single submitter. Criteria: Ambry Variant Classification Scheme 2023. Collection method: clinical testing. Allele origin: germline.
Comment: The p.S621P variant (also known as c.1861T>C), located in coding exon 3 of the ALPK2 gene, results from a T to C substitution at nucleotide position 1861. The serine at codon 621 is replaced by proline, an amino acid with similar properties. This amino acid position is conserved. In addition, this alteration is predicted to be tolerated by in silico analysis. Since supporting evidence is limited at this time, the clinical significance of this alteration remains unclear.

NM_052947.4(ALPK2):c.1861T>C (p.Ser621Pro)

Gene: ALPK2 (alpha kinase 2; minus strand). Cytogenetic location: 18q21.31.
Variant type: single nucleotide variant.
Coding change: c.1861T>C on transcript NM_052947.4 (MANE Select); coding-DNA position 1861, T replaced by C.
Protein change: p.Ser621Pro; replaces serine 621 with proline.
Molecular consequence: missense variant.
Genome position (GRCh38, 1-based): chr18:58,578,915, A>G on the plus strand (T>C on the coding strand, the complement: ALPK2 is on the minus strand). VCF-style: chr18-58578915-A-G. GRCh37 (hg19) VCF-style: chr18-56246147-A-G.
Other names: short protein forms S621P.
Identifiers: ClinVar variation 1781518 (VCV001781518.3), dbSNP rs747050213, ClinGen allele CA8977183.
Genomic context (GRCh38, chr18:58,578,915, plus strand): 5'-ATAGAGTATTAACTTGCATGCCTTCTCCCTTGCAATTTGTGTTGCCTTCTTTGGAGACTG[A>G]GTCTGTTGAAGTTTGAAGGGTTTTTGCTTCTTGCTCTGCCTGGGTTGAAATAGCACATTC-3'
Protein context (NP_443179.3, residues 611-631): EAKTLQTSTD[Ser621Pro]VSKEGNTNCK